The following is an entry in ClinVar:

NM_000147.5(FUCA1):c.1295G>A (p.Trp432Ter)

Gene: FUCA1 (alpha-L-fucosidase 1; minus strand). Cytogenetic location: 1p36.11.
Variant type: single nucleotide variant.
Coding change: c.1295G>A on transcript NM_000147.5 (MANE Select); coding-DNA position 1295, G replaced by A.
Protein change: p.Trp432Ter; replaces tryptophan 432 with a stop codon.
Molecular consequence: nonsense.
Genome position (GRCh38, 1-based): chr1:23,845,821, C>T on the plus strand (G>A on the coding strand, the complement: FUCA1 is on the minus strand). VCF-style: chr1-23845821-C-T. GRCh37 (hg19) VCF-style: chr1-24172311-C-T.
Other names: short protein forms W432*.
Identifiers: ClinVar variation 859832 (VCV000859832.5), dbSNP rs1639127458, ClinGen allele CA339034087.

ClinVar aggregate classification (germline): Uncertain significance (1 of 4 stars; one submission).

Conditions:
Fucosidosis. Also called: ALPHA-L-FUCOSIDASE DEFICIENCY. Identifiers: Orphanet 349, MedGen C0016788, MONDO:0009254, OMIM 230000.

Submission:

Labcorp Genetics (formerly Invitae), Labcorp
Classification: Uncertain significance for Fucosidosis. Last evaluated: 2019-03-22. Review status: criteria provided, single submitter. Criteria: Invitae Variant Classification Sherloc (09022015). Collection method: clinical testing. Allele origin: germline.
Comment: This sequence change results in a premature translational stop signal in the FUCA1 gene (p.Trp432*). While this is not anticipated to result in nonsense mediated decay, it is expected to disrupt the last 35 amino acids of the FUCA1 protein. This variant is not present in population databases (ExAC no frequency). This variant has not been reported in the literature in individuals with FUCA1-related conditions. In summary, the available evidence is currently insufficient to determine the role of this variant in disease. Therefore, it has been classified as a Variant of Uncertain Significance.